The following is an entry in ClinVar:

ClinVar aggregate classification (germline): Uncertain significance. Review status: criteria provided, multiple submitters, no conflicts (2 of 4 stars). 2 submissions from 2 submitters: Uncertain significance (2). Last evaluated 2025-10-26.

Allele frequency attached by ClinVar (database versions not stated): gnomAD exomes below 0.00001.
gnomAD v4.1: 3 of 1,210,073 alleles (0.00025%); highest among the groups gnomAD compares: Non-Finnish European, 0.00022%; no homozygotes.

Submissions (2):

Labcorp Genetics (formerly Invitae), Labcorp
Classification: Uncertain significance. Last evaluated: 2025-10-26. Review status: criteria provided, single submitter. Criteria: Invitae Variant Classification Sherloc (09022015). Collection method: clinical testing. Allele origin: germline.
Comment: This sequence change replaces aspartic acid, which is acidic and polar, with glutamic acid, which is acidic and polar, at codon 679 of the OPHN1 protein (p.Asp679Glu). This variant is not present in population databases (gnomAD no frequency). This variant has not been reported in the literature in individuals affected with OPHN1-related conditions. ClinVar contains an entry for this variant (Variation ID: 1710410). An algorithm developed to predict the effect of missense changes on protein structure and function (PolyPhen-2) suggests that this variant is likely to be tolerated. In summary, the available evidence is currently insufficient to determine the role of this variant in disease. Therefore, it has been classified as a Variant of Uncertain Significance.

Greenwood Genetic Center Diagnostic Laboratories, Greenwood Genetic Center
Classification: Uncertain significance. Last evaluated: 2022-09-21. Review status: criteria provided, single submitter. Criteria: ACMG Guidelines, 2015. Collection method: clinical testing. Allele origin: germline. Affected: yes.
Comment: PM2

NM_002547.3(OPHN1):c.2037T>G (p.Asp679Glu)

Gene: OPHN1 (oligophrenin 1; minus strand). Cytogenetic location: Xq12.
Variant type: single nucleotide variant.
Coding change: c.2037T>G on transcript NM_002547.3 (MANE Select); coding-DNA position 2037, T replaced by G.
Protein change: p.Asp679Glu; replaces aspartic acid 679 with glutamic acid.
Molecular consequence: missense variant.
Genome position (GRCh38, 1-based): chrX:68,063,975, A>C on the plus strand (T>G on the coding strand, the complement: OPHN1 is on the minus strand). VCF-style: chrX-68063975-A-C. GRCh37 (hg19) VCF-style: chrX-67283817-A-C.
Other names: short protein forms D679E.
Identifiers: ClinVar variation 1710410 (VCV001710410.4), dbSNP rs1300359418, ClinGen allele CA413430371.